The following is an entry in ClinVar:

NM_003873.7(NRP1):c.1701G>A (p.Glu567=)

Gene: NRP1 (neuropilin 1; minus strand). Cytogenetic location: 10p11.22.
Variant type: single nucleotide variant.
Coding change: c.1701G>A on transcript NM_003873.7 (MANE Select); coding-DNA position 1701, G replaced by A.
Protein change: p.Glu567=; no amino-acid change (glutamic acid 567 retained).
Molecular consequence: synonymous variant. On other transcripts: non-coding transcript variant (1).
Genome position (GRCh38, 1-based): chr10:33,207,630, C>T on the plus strand (G>A on the coding strand, the complement: NRP1 is on the minus strand). VCF-style: chr10-33207630-C-T. GRCh37 (hg19) VCF-style: chr10-33496558-C-T.
Other names: c.1701G>A, p.Glu567= (NM_001024628.3, NM_001024629.3, NM_001244972.2 and 2 more transcripts).
Identifiers: ClinVar variation 3349271 (VCV003349271.1).
Genomic context (GRCh38, chr10:33,207,630, plus strand): 5'-ACCTTCCACTTCACAGCCCAGCAGCTCCATTCTGAGCCCCAGTCCGCCATGAGTGGCTCT[C>T]TCGGGGTAGATCCTGATGAATCGCGTGGAGAGAGCTGGAAAAGTCCGCAGCTCAGGTGTA-3'
Protein context (NP_003864.5, residues 557-577): LSTRFIRIYP[Glu567=]RATHGGLGLR

ClinVar aggregate classification (germline): Likely benign (0 of 4 stars; one submission).

Conditions:
NRP1-related disorder. Also called: NRP1-related condition.

Submission:

PreventionGenetics, part of Exact Sciences
Classification: Likely benign for NRP1-related condition. Last evaluated: 2023-11-22. Review status: no assertion criteria provided. Collection method: clinical testing. Allele origin: germline.
Comment: This variant is classified as likely benign based on ACMG/AMP sequence variant interpretation guidelines (Richards et al. 2015 PMID: 25741868, with internal and published modifications).